The following is an entry in ClinVar:

ClinVar aggregate classification (germline): Likely benign. Review status: criteria provided, multiple submitters, no conflicts (2 of 4 stars). 4 submissions from 4 submitters: Likely benign (3). 1 of the submissions does not count toward it. Last evaluated 2025-05-15.

Conditions:
CD164-related disorder. Also called: CD164-related condition.

Allele frequency attached by ClinVar (database versions not stated): gnomAD exomes 0.00003 and 0.00006; ExAC 0.00010; ESP Exome Variant Server 0.00023; gnomAD 0.00030 and 0.00031; TOPMed 0.00030; 1000 Genomes Project 0.00040; 1000 Genomes Project 30x 0.00062.
gnomAD v4.1: 87 of 1,561,358 alleles (0.0056%); highest among the groups gnomAD compares: African/African-American, 0.079%; no homozygotes.

Submissions (4):

Labcorp Genetics (formerly Invitae), Labcorp
Classification: Likely benign. Last evaluated: 2025-05-15. Review status: criteria provided, single submitter. Criteria: Invitae Variant Classification Sherloc (09022015). Collection method: clinical testing. Allele origin: germline.

Ambry Genetics
Classification: Likely benign. Last evaluated: 2025-04-11. Review status: criteria provided, single submitter. Criteria: Ambry Variant Classification Scheme 2023. Collection method: clinical testing. Allele origin: germline.

GeneDx
Classification: Likely benign. Last evaluated: 2021-05-28. Review status: criteria provided, single submitter. Criteria: GeneDx Variant Classification Process June 2021. Collection method: clinical testing. Allele origin: germline. Affected: yes.

PreventionGenetics, part of Exact Sciences
Classification: Likely benign for CD164-related condition. Last evaluated: 2024-05-08. Review status: no assertion criteria provided. Collection method: clinical testing. Allele origin: germline. Not counted in ClinVar's aggregate classification.
Comment: This variant is classified as likely benign based on ACMG/AMP sequence variant interpretation guidelines (Richards et al. 2015 PMID: 25741868, with internal and published modifications).

NM_006016.6(CD164):c.339G>A (p.Thr113=)

Gene: CD164 (CD164 molecule; minus strand). Cytogenetic location: 6q21.
Variant type: single nucleotide variant.
Coding change: c.339G>A on transcript NM_006016.6 (MANE Select); coding-DNA position 339, G replaced by A.
Protein change: p.Thr113=; no amino-acid change (threonine 113 retained).
Molecular consequence: synonymous variant. On other transcripts: intron variant (1).
Genome position (GRCh38, 1-based): chr6:109,376,105, C>T on the plus strand (G>A on the coding strand, the complement: CD164 is on the minus strand). VCF-style: chr6-109376105-C-T. GRCh37 (hg19) VCF-style: chr6-109697308-C-T.
Other names: c.339G>A (NM_006016.5); c.339G>A, p.Thr113= (NM_001142402.3, NM_001142403.3, NM_001142404.3); c.237G>A, p.Thr79= (NM_001346500.2); c.331+1795G>A (NM_001142401.3).
Identifiers: ClinVar variation 1326617 (VCV001326617.8), dbSNP rs373906087, ClinGen allele CA3951572.
Genomic context (GRCh38, chr6:109,376,105, plus strand): 5'-AAAGGAAGAAAACAGTCATCTTGAATTACCTGTAGAATTGGCTGTTGGCACTGGAGTGGC[C>T]GTGGAAACTATTAAAAAAAGAAAAAAGAAAAACCATATACATCAAAGCTATTTAAAATAT-3'
Protein context (NP_006007.2, residues 103-123): GNTTDFCSVS[Thr113=]ATPVPTANST